The following is an entry in ClinVar:

NM_004360.5(CDH1):c.2315T>C (p.Leu772Pro)

Gene: CDH1 (cadherin 1; plus strand). Cytogenetic location: 16q22.1.
Variant type: single nucleotide variant.
Coding change: c.2315T>C on transcript NM_004360.5 (MANE Select); coding-DNA position 2315, T replaced by C.
Protein change: p.Leu772Pro; replaces leucine 772 with proline.
Molecular consequence: missense variant.
Genome position (GRCh38, 1-based): chr16:68,829,673, T>C. VCF-style: chr16-68829673-T-C. GRCh37 (hg19) VCF-style: chr16-68863576-T-C.
Other names: c.2132T>C, p.Leu711Pro (NM_001317184.2); c.767T>C, p.Leu256Pro (NM_001317185.2); c.350T>C, p.Leu117Pro (NM_001317186.2); short protein forms L256P, L117P, L772P, L711P.
Identifiers: ClinVar variation 821086 (VCV000821086.8), dbSNP rs1596972390, ClinGen allele CA396470842.

ClinVar aggregate classification (germline): Uncertain significance. Review status: criteria provided, multiple submitters, no conflicts (2 of 4 stars). 2 submissions from 2 submitters: Uncertain significance (2). Last evaluated 2026-06-17.

Conditions:
Hereditary diffuse gastric adenocarcinoma (HDGC). Also called: DIFFUSE GASTRIC AND LOBULAR BREAST CANCER SYNDROME. Identifiers: Orphanet 26106, MedGen C1708349, MONDO:0007648, OMIM 137215.
Hereditary cancer-predisposing syndrome. Also called: Tumor predisposition; Hereditary Cancer Syndrome; Neoplastic Syndromes, Hereditary; Hereditary neoplastic syndrome. Identifiers: Orphanet 140162, MedGen C0027672, MeSH D009386, MONDO:0015356.

Submissions (2):

Ambry Genetics
Classification: Uncertain significance for Hereditary cancer-predisposing syndrome. Last evaluated: 2026-06-17. Review status: criteria provided, single submitter. Criteria: Ambry Variant Classification Scheme 2023. Collection method: clinical testing. Allele origin: germline.
Comment: The p.L772P variant (also known as c.2315T>C), located in coding exon 15 of the CDH1 gene, results from a T to C substitution at nucleotide position 2315. The leucine at codon 772 is replaced by proline, an amino acid with similar properties. This variant was reported in individual(s) with features consistent with CDH1-related diffuse gastric and lobular breast cancer (Ambry internal data). This amino acid position is highly conserved in available vertebrate species. In addition, this alteration is predicted to be deleterious by in silico analysis. Based on the available evidence, the clinical significance of this variant remains unclear.

Labcorp Genetics (formerly Invitae), Labcorp
Classification: Uncertain significance for Hereditary diffuse gastric adenocarcinoma. Last evaluated: 2023-12-01. Review status: criteria provided, single submitter. Criteria: Invitae Variant Classification Sherloc (09022015). Collection method: clinical testing. Allele origin: germline.
Comment: This sequence change replaces leucine, which is neutral and non-polar, with proline, which is neutral and non-polar, at codon 772 of the CDH1 protein (p.Leu772Pro). This variant is not present in population databases (gnomAD no frequency). This variant has not been reported in the literature in individuals affected with CDH1-related conditions. ClinVar contains an entry for this variant (Variation ID: 821086). An algorithm developed to predict the effect of missense changes on protein structure and function (PolyPhen-2) suggests that this variant is likely to be disruptive. In summary, the available evidence is currently insufficient to determine the role of this variant in disease. Therefore, it has been classified as a Variant of Uncertain Significance.